The following is an entry in ClinVar:

NM_005529.7(HSPG2):c.3077G>C (p.Gly1026Ala)

Gene: HSPG2 (heparan sulfate proteoglycan 2; minus strand). Cytogenetic location: 1p36.12.
Variant type: single nucleotide variant.
Coding change: c.3077G>C on transcript NM_005529.7 (MANE Select); coding-DNA position 3077, G replaced by C.
Protein change: p.Gly1026Ala; replaces glycine 1026 with alanine.
Molecular consequence: missense variant.
Genome position (GRCh38, 1-based): chr1:21,875,969, C>G on the plus strand (G>C on the coding strand, the complement: HSPG2 is on the minus strand). VCF-style: chr1-21875969-C-G. GRCh37 (hg19) VCF-style: chr1-22202462-C-G.
Other names: c.3080G>C, p.Gly1027Ala (NM_001291860.2); c.3077G>C (NM_005529.5); short protein forms G1026A, G1027A.
Identifiers: ClinVar variation 1981650 (VCV001981650.7), dbSNP rs1187364643, ClinGen allele CA338962282.

ClinVar aggregate classification (germline): Uncertain significance. Review status: criteria provided, multiple submitters, no conflicts (2 of 4 stars). 2 submissions from 2 submitters: Uncertain significance (2). Last evaluated 2022-05-04.

Allele frequency attached by ClinVar (database versions not stated): gnomAD 0.00001; gnomAD exomes 0.00001; TOPMed 0.00001.
gnomAD v4.1: 12 of 1,614,074 alleles (0.00074%); highest among the groups gnomAD compares: Non-Finnish European, 0.001%; no homozygotes.

Submissions (2):

Labcorp Genetics (formerly Invitae), Labcorp
Classification: Uncertain significance. Last evaluated: 2022-05-04. Review status: criteria provided, single submitter. Criteria: Invitae Variant Classification Sherloc (09022015). Collection method: clinical testing. Allele origin: germline.
Comment: In summary, the available evidence is currently insufficient to determine the role of this variant in disease. Therefore, it has been classified as a Variant of Uncertain Significance. Algorithms developed to predict the effect of missense changes on protein structure and function (SIFT, PolyPhen-2, Align-GVGD) all suggest that this variant is likely to be tolerated. This variant has not been reported in the literature in individuals affected with HSPG2-related conditions. This variant is present in population databases (no rsID available, gnomAD 0.0009%). This sequence change replaces glycine, which is neutral and non-polar, with alanine, which is neutral and non-polar, at codon 1026 of the HSPG2 protein (p.Gly1026Ala).

Revvity Omics, Revvity
Classification: Uncertain significance. Last evaluated: 2019-03-20. Review status: criteria provided, single submitter. Criteria: ACMG Guidelines, 2015. Collection method: clinical testing. Allele origin: germline.